The following is an entry in ClinVar:

ClinVar aggregate classification (germline): Uncertain significance (1 of 4 stars; one submission).

Submission:

Labcorp Genetics (formerly Invitae), Labcorp
Classification: Uncertain significance. Last evaluated: 2024-12-07. Review status: criteria provided, single submitter. Criteria: Invitae Variant Classification Sherloc (09022015). Collection method: clinical testing. Allele origin: germline.
Comment: This sequence change creates a premature translational stop signal (p.Tyr389*) in the SCN3A gene. It is expected to result in an absent or disrupted protein product. However, the current clinical and genetic evidence is not sufficient to establish whether loss-of-function variants in SCN3A cause disease. This variant is not present in population databases (gnomAD no frequency). This variant has not been reported in the literature in individuals affected with SCN3A-related conditions. In summary, the available evidence is currently insufficient to determine the role of this variant in disease. Therefore, it has been classified as a Variant of Uncertain Significance.

NM_006922.4(SCN3A):c.1167C>A (p.Tyr389Ter)

Gene: SCN3A (sodium voltage-gated channel alpha subunit 3; minus strand). Cytogenetic location: 2q24.3.
Variant type: single nucleotide variant.
Coding change: c.1167C>A on transcript NM_006922.4 (MANE Select); coding-DNA position 1167, C replaced by A.
Protein change: p.Tyr389Ter; replaces tyrosine 389 with a stop codon.
Molecular consequence: nonsense.
Genome position (GRCh38, 1-based): chr2:165,155,768, G>T on the plus strand (C>A on the coding strand, the complement: SCN3A is on the minus strand). VCF-style: chr2-165155768-G-T. GRCh37 (hg19) VCF-style: chr2-166012278-G-T.
Other names: c.1167C>A, p.Tyr389Ter (NM_001081676.2, NM_001081677.2); short protein forms Y389*.
Identifiers: ClinVar variation 3726788 (VCV003726788.2).